The following is an entry in ClinVar:

ClinVar aggregate classification (germline): Uncertain significance (1 of 4 stars; one submission).

Allele frequency attached by ClinVar (database versions not stated): ExAC 0.00001; gnomAD exomes 0.00002; gnomAD 0.00003 and 0.00004; TOPMed 0.00004.
gnomAD v4.1: 35 of 1,613,984 alleles (0.0022%); highest among the groups gnomAD compares: Non-Finnish European, 0.0026%; no homozygotes.

Submission:

GeneDx
Classification: Uncertain significance. Last evaluated: 2019-04-11. Review status: criteria provided, single submitter. Criteria: GeneDx Variant Classification Process June 2021. Collection method: clinical testing. Allele origin: germline. Affected: yes.
Comment: Has not been previously published as pathogenic or benign to our knowledge

NM_000185.4(SERPIND1):c.1070T>C (p.Ile357Thr)

Genes: SERPIND1 (serpin family D member 1; plus strand), PI4KA (phosphatidylinositol 4-kinase alpha; minus strand). Cytogenetic location: 22q11.21.
Variant type: single nucleotide variant.
Coding change: c.1070T>C on transcript NM_000185.4 (MANE Select); coding-DNA position 1070, T replaced by C.
Protein change: p.Ile357Thr; replaces isoleucine 357 with threonine.
Molecular consequence: missense variant. On other transcripts: intron variant (3).
Genome position (GRCh38, 1-based): chr22:20,784,152, T>C. VCF-style: chr22-20784152-T-C. GRCh37 (hg19) VCF-style: chr22-21138440-T-C.
Other names: c.2262+9041A>G (NM_001362863.2); c.2328+9041A>G (NM_001362862.2, NM_058004.4); short protein forms I357T.
Identifiers: ClinVar variation 1302931 (VCV001302931.2), dbSNP rs199499153, ClinGen allele CA10116028.